The following is an entry in ClinVar:

ClinVar aggregate classification (germline): Benign (1 of 4 stars; one submission).

gnomAD v4.1: 133,071 of 1,613,542 alleles (8.2%); highest among the groups gnomAD compares: East Asian, 21%; 6,843 homozygotes.

Submissions (9):

Mayo Clinic Laboratories, Mayo Clinic
Classification: Benign. Last evaluated: 2023-09-28. Review status: criteria provided, single submitter. Criteria: ACMG Guidelines, 2015. Collection method: clinical testing. Allele origin: germline. Observed: 95 variant alleles.
Comment: BA1

Dr. Peter K. Rogan Lab, Western University
No classification provided (evidence only). Condition: Acute myeloid leukemia. Review status: no classification provided. Collection method: in vitro. Allele origin: not applicable. Functional consequence: retained intron. Not counted in ClinVar's aggregate classification.

Dr. Peter K. Rogan Lab, Western University
No classification provided (evidence only). Condition: Acute myeloid leukemia. Review status: no classification provided. Collection method: in vitro. Allele origin: not applicable. Functional consequence: retained intron. Not counted in ClinVar's aggregate classification.

Dr. Peter K. Rogan Lab, Western University
No classification provided (evidence only). Condition: Acute myeloid leukemia. Review status: no classification provided. Collection method: in vitro. Allele origin: not applicable. Functional consequence: retained intron. Not counted in ClinVar's aggregate classification.

Dr. Peter K. Rogan Lab, Western University
No classification provided (evidence only). Condition: Acute myeloid leukemia. Review status: no classification provided. Collection method: in vitro. Allele origin: not applicable. Functional consequence: retained intron. Not counted in ClinVar's aggregate classification.

Dr. Peter K. Rogan Lab, Western University
No classification provided (evidence only). Condition: Acute myeloid leukemia. Review status: no classification provided. Collection method: in vitro. Allele origin: not applicable. Functional consequence: retained intron. Not counted in ClinVar's aggregate classification.

Dr. Peter K. Rogan Lab, Western University
No classification provided (evidence only). Condition: Acute myeloid leukemia. Review status: no classification provided. Collection method: in vitro. Allele origin: not applicable. Functional consequence: retained intron. Not counted in ClinVar's aggregate classification.

Dr. Peter K. Rogan Lab, Western University
No classification provided (evidence only). Condition: Acute myeloid leukemia. Review status: no classification provided. Collection method: in vitro. Allele origin: not applicable. Functional consequence: retained intron. Not counted in ClinVar's aggregate classification.

Dr. Peter K. Rogan Lab, Western University
No classification provided (evidence only). Condition: Acute myeloid leukemia. Review status: no classification provided. Collection method: in vitro. Allele origin: not applicable. Functional consequence: retained intron. Not counted in ClinVar's aggregate classification.

NM_005845.5(ABCC4):c.912G>T (p.Lys304Asn)

Gene: ABCC4 (ATP binding cassette subfamily C member 4 (PEL blood group); minus strand). Cytogenetic location: 13q32.1.
Variant type: single nucleotide variant.
Coding change: c.912G>T on transcript NM_005845.5 (MANE Select); coding-DNA position 912, G replaced by T.
Protein change: p.Lys304Asn; replaces lysine 304 with asparagine.
Molecular consequence: missense variant.
Genome position (GRCh38, 1-based): chr13:95,206,781, C>A on the plus strand (G>T on the coding strand, the complement: ABCC4 is on the minus strand). VCF-style: chr13-95206781-C-A. GRCh37 (hg19) VCF-style: chr13-95859035-C-A.
Other names: NC_000013.10:g.95859035C>A; p.Lys304Asn; c.912G>T (NM_005845.4); c.912G>T, p.Lys304Asn (NM_001105515.3, NM_001301829.2); c.687G>T, p.Lys229Asn (NM_001301830.2); short protein forms K304N, K229N.
Identifiers: ClinVar variation 4393868 (VCV004393868.2).